The following is an entry in ClinVar:

ClinVar aggregate classification (germline): Uncertain significance (1 of 4 stars; one submission).

Submission:

Labcorp Genetics (formerly Invitae), Labcorp
Classification: Uncertain significance. Last evaluated: 2025-09-13. Review status: criteria provided, single submitter. Criteria: Invitae Variant Classification Sherloc (09022015). Collection method: clinical testing. Allele origin: germline.
Comment: This sequence change replaces serine, which is neutral and polar, with leucine, which is neutral and non-polar, at codon 308 of the SMAD2 protein (p.Ser308Leu). This variant is not present in population databases (gnomAD no frequency). This variant has not been reported in the literature in individuals affected with SMAD2-related conditions. Invitae Evidence Modeling of protein sequence and biophysical properties (such as structural, functional, and spatial information, amino acid conservation, physicochemical variation, residue mobility, and thermodynamic stability) indicates that this missense variant is not expected to disrupt SMAD2 protein function with a negative predictive value of 80%. In summary, the available evidence is currently insufficient to determine the role of this variant in disease. Therefore, it has been classified as a Variant of Uncertain Significance.

NM_005901.6(SMAD2):c.923C>T (p.Ser308Leu)

Gene: SMAD2 (SMAD family member 2; minus strand). Cytogenetic location: 18q21.1.
Variant type: single nucleotide variant.
Coding change: c.923C>T on transcript NM_005901.6 (MANE Select); coding-DNA position 923, C replaced by T.
Protein change: p.Ser308Leu; replaces serine 308 with leucine.
Molecular consequence: missense variant.
Genome position (GRCh38, 1-based): chr18:47,848,549, G>A on the plus strand (C>T on the coding strand, the complement: SMAD2 is on the minus strand). VCF-style: chr18-47848549-G-A. GRCh37 (hg19) VCF-style: chr18-45374920-G-A.
Other names: c.923C>T, p.Ser308Leu (NM_001003652.4); c.833C>T, p.Ser278Leu (NM_001135937.3); short protein forms S308L, S278L.
Identifiers: ClinVar variation 4743186 (VCV004743186.1).